The following is an entry in ClinVar:

ClinVar aggregate classification (germline): Likely benign. Review status: criteria provided, single submitter (1 of 4 stars). 2 submissions from 2 submitters: Likely benign (1). 1 of the submissions does not count toward it. Last evaluated 2025-01-20.

Conditions:
SHH-related disorder. Also called: SHH-related condition; SHH-related disorders.
Holoprosencephaly 3 (HPE3). Identifiers: Orphanet 2162, MedGen C1840529, MONDO:0007733, OMIM 142945.

Allele frequency attached by ClinVar (database versions not stated): ExAC 0.00001; gnomAD 0.00003; TOPMed 0.00003; gnomAD exomes 0.00004; ESP Exome Variant Server 0.00008.

Submissions (2):

Labcorp Genetics (formerly Invitae), Labcorp
Classification: Likely benign for Holoprosencephaly 3. Last evaluated: 2025-01-20. Review status: criteria provided, single submitter. Criteria: Invitae Variant Classification Sherloc (09022015). Collection method: clinical testing. Allele origin: germline.

PreventionGenetics, part of Exact Sciences
Classification: Likely benign for SHH-related condition. Last evaluated: 2021-05-24. Review status: no assertion criteria provided. Collection method: clinical testing. Allele origin: germline. Not counted in ClinVar's aggregate classification.
Comment: This variant is classified as likely benign based on ACMG/AMP sequence variant interpretation guidelines (Richards et al. 2015 PMID: 25741868, with internal and published modifications).

NM_000193.4(SHH):c.27G>C (p.Leu9=)

Gene: SHH (sonic hedgehog signaling molecule; minus strand). Cytogenetic location: 7q36.3.
Variant type: single nucleotide variant.
Coding change: c.27G>C on transcript NM_000193.4 (MANE Select); coding-DNA position 27, G replaced by C.
Protein change: p.Leu9=; no amino-acid change (leucine 9 retained).
Molecular consequence: synonymous variant.
Genome position (GRCh38, 1-based): chr7:155,812,096, C>G on the plus strand (G>C on the coding strand, the complement: SHH is on the minus strand). VCF-style: chr7-155812096-C-G. GRCh37 (hg19) VCF-style: chr7-155604790-C-G.
Identifiers: ClinVar variation 3031464 (VCV003031464.4), dbSNP rs141162945, ClinGen allele CA4587105.
Genomic context (GRCh38, chr7:155,812,096, plus strand): 5'-CCCCCTGCCCGGTCCGCACGCCAGTCCCGAGCATACCAGCAGCGAGGAGACGAGGACTAG[C>G]AGCAGACATCTCGCCAGCAGCAGCATCTCGCCCATGGAACTGATGACTTCCGAGCTGTCC-3'
Protein context (NP_000184.1, residues 1-19): MLLLARCL[Leu9=]LVLVSSLLVC